The following is an entry in ClinVar:

ClinVar aggregate classification (germline): Uncertain significance. Review status: criteria provided, multiple submitters, no conflicts (2 of 4 stars). 5 submissions from 4 submitters: Uncertain significance (5). Last evaluated 2025-09-25.

Conditions:
Lethal Kniest-like syndrome (DDSH). Also called: Dyssegmental Dysplasia. Identifiers: Orphanet 1865, MedGen C1857100, MONDO:0009140, OMIM 224410.
Schwartz-Jampel syndrome. Also called: Myotonic myopathy dwarfism chondrodystrophy and ocular and facial abnormalities. Identifiers: Orphanet 800, MedGen C0036391, MONDO:0009717.
Inborn genetic diseases. Identifiers: MedGen C0950123, MeSH D030342.

Allele frequency attached by ClinVar (database versions not stated): gnomAD 0.00001 and 0.00004; TOPMed 0.00002; gnomAD exomes 0.00003 and 0.00005; ExAC 0.00006; 1000 Genomes Project 30x 0.00016; 1000 Genomes Project 0.00020.
gnomAD v4.1: 45 of 1,605,102 alleles (0.0028%); highest among the groups gnomAD compares: East Asian, 0.031%; no homozygotes.

Submissions (5):

Ambry Genetics
Classification: Uncertain significance for Inborn genetic diseases. Last evaluated: 2025-09-25. Review status: criteria provided, single submitter. Criteria: Ambry Variant Classification Scheme 2023. Collection method: clinical testing. Allele origin: germline.

Athena Diagnostics
Classification: Uncertain significance. Last evaluated: 2024-07-31. Review status: criteria provided, single submitter. Criteria: Athena Diagnostics Criteria. Collection method: clinical testing. Allele origin: unknown.
Comment: Available data are insufficient to determine the clinical significance of the variant at this time. The frequency of this variant in the general population is uninformative in assessment of its pathogenicity. Polyphen and MutationTaster predict this amino acid change may be damaging to the protein.

Labcorp Genetics (formerly Invitae), Labcorp
Classification: Uncertain significance. Last evaluated: 2022-03-23. Review status: criteria provided, single submitter. Criteria: Invitae Variant Classification Sherloc (09022015). Collection method: clinical testing. Allele origin: germline.
Comment: This sequence change replaces arginine, which is basic and polar, with tryptophan, which is neutral and slightly polar, at codon 1066 of the HSPG2 protein (p.Arg1066Trp). This variant is present in population databases (rs145498664, gnomAD 0.01%). This variant has not been reported in the literature in individuals affected with HSPG2-related conditions. ClinVar contains an entry for this variant (Variation ID: 875670). Algorithms developed to predict the effect of missense changes on protein structure and function are either unavailable or do not agree on the potential impact of this missense change (SIFT: "Deleterious"; PolyPhen-2: "Probably Damaging"; Align-GVGD: "Class C0"). In summary, the available evidence is currently insufficient to determine the role of this variant in disease. Therefore, it has been classified as a Variant of Uncertain Significance.

Illumina Laboratory Services, Illumina
Classification: Uncertain significance for Lethal Kniest-like syndrome. Last evaluated: 2018-01-12. Review status: criteria provided, single submitter. Criteria: ICSL Variant Classification Criteria 13 December 2019. Collection method: clinical testing. Allele origin: germline.

Illumina Laboratory Services, Illumina
Classification: Uncertain significance for Schwartz-Jampel syndrome type 1. Last evaluated: 2018-01-12. Review status: criteria provided, single submitter. Criteria: ICSL Variant Classification Criteria 13 December 2019. Collection method: clinical testing. Allele origin: germline.

NM_005529.7(HSPG2):c.3196C>T (p.Arg1066Trp)

Gene: HSPG2 (heparan sulfate proteoglycan 2; minus strand). Cytogenetic location: 1p36.12.
Variant type: single nucleotide variant.
Coding change: c.3196C>T on transcript NM_005529.7 (MANE Select); coding-DNA position 3196, C replaced by T.
Protein change: p.Arg1066Trp; replaces arginine 1066 with tryptophan.
Molecular consequence: missense variant.
Genome position (GRCh38, 1-based): chr1:21,875,735, G>A on the plus strand (C>T on the coding strand, the complement: HSPG2 is on the minus strand). VCF-style: chr1-21875735-G-A. GRCh37 (hg19) VCF-style: chr1-22202228-G-A.
Other names: c.3196C>T (NM_005529.6); c.3199C>T, p.Arg1067Trp (NM_001291860.2); short protein forms R1067W, R1066W.
Identifiers: ClinVar variation 875670 (VCV000875670.11), dbSNP rs145498664, ClinGen allele CA672728.